The following is an entry in ClinVar:

NM_000264.5(PTCH1):c.278A>G (p.Tyr93Cys)

Gene: PTCH1 (patched 1; minus strand). Cytogenetic location: 9q22.32.
Variant type: single nucleotide variant.
Coding change: c.278A>G on transcript NM_000264.5 (MANE Select); coding-DNA position 278, A replaced by G.
Protein change: p.Tyr93Cys; replaces tyrosine 93 with cysteine.
Molecular consequence: missense variant. On other transcripts: 5 prime UTR variant (4), non-coding transcript variant (1).
Genome position (GRCh38, 1-based): chr9:95,506,523, T>C on the plus strand (A>G on the coding strand, the complement: PTCH1 is on the minus strand). VCF-style: chr9-95506523-T-C. GRCh37 (hg19) VCF-style: chr9-98268805-T-C.
Other names: c.80A>G, p.Tyr27Cys (NM_001083602.3, NM_001354919.2); c.275A>G, p.Tyr92Cys (NM_001083603.3); c.-176A>G (NM_001083604.3, NM_001083605.3, NM_001083606.3 and 1 more transcripts); c.278A>G, p.Tyr93Cys (NM_001354918.2); short protein forms Y93C, Y27C, Y92C.
Identifiers: ClinVar variation 571217 (VCV000571217.12), dbSNP rs1564088256, ClinGen allele CA374120386.

ClinVar aggregate classification (germline): Uncertain significance. Review status: criteria provided, multiple submitters, no conflicts (2 of 4 stars). 2 submissions from 2 submitters: Uncertain significance (2). Last evaluated 2024-08-05.

Conditions:
Gorlin syndrome. Also called: Nevoid Basal Cell Carcinoma Syndrome; Basal cell nevus syndrome. Identifiers: Orphanet 377, MedGen C0004779, MONDO:0007187.
Hereditary cancer-predisposing syndrome. Also called: Hereditary neoplastic syndrome; Neoplastic Syndromes, Hereditary; Hereditary Cancer Syndrome; Tumor predisposition. Identifiers: Orphanet 140162, MedGen C0027672, MeSH D009386, MONDO:0015356.

Submissions (2):

Ambry Genetics
Classification: Uncertain significance for Hereditary cancer-predisposing syndrome. Last evaluated: 2024-08-05. Review status: criteria provided, single submitter. Criteria: Ambry Variant Classification Scheme 2023. Collection method: clinical testing. Allele origin: germline.
Comment: The p.Y93C variant (also known as c.278A>G), located in coding exon 2 of the PTCH1 gene, results from an A to G substitution at nucleotide position 278. The tyrosine at codon 93 is replaced by cysteine, an amino acid with highly dissimilar properties. This amino acid position is well conserved in available vertebrate species. In addition, this alteration is predicted to be deleterious by in silico analysis. Based on the available evidence, the clinical significance of this variant remains unclear.

Labcorp Genetics (formerly Invitae), Labcorp
Classification: Uncertain significance for Gorlin syndrome. Last evaluated: 2023-01-09. Review status: criteria provided, single submitter. Criteria: Invitae Variant Classification Sherloc (09022015). Collection method: clinical testing. Allele origin: germline.
Comment: ClinVar contains an entry for this variant (Variation ID: 571217). This variant has not been reported in the literature in individuals affected with PTCH1-related conditions. Advanced modeling of protein sequence and biophysical properties (such as structural, functional, and spatial information, amino acid conservation, physicochemical variation, residue mobility, and thermodynamic stability) performed at Invitae indicates that this missense variant is not expected to disrupt PTCH1 protein function. In summary, the available evidence is currently insufficient to determine the role of this variant in disease. Therefore, it has been classified as a Variant of Uncertain Significance. This sequence change replaces tyrosine, which is neutral and polar, with cysteine, which is neutral and slightly polar, at codon 93 of the PTCH1 protein (p.Tyr93Cys). This variant is not present in population databases (gnomAD no frequency).